The following is an entry in ClinVar:

ClinVar aggregate classification (germline): Likely benign. Review status: criteria provided, multiple submitters, no conflicts (2 of 4 stars). 2 submissions from 2 submitters: Likely benign (2). Last evaluated 2024-02-18.

Allele frequency attached by ClinVar (database versions not stated): gnomAD 0.00001; TOPMed 0.00002.
gnomAD v4.1: 9 of 1,613,668 alleles (0.00056%); highest among the groups gnomAD compares: Admixed American, 0.0017%; no homozygotes.

Submissions (2):

Labcorp Genetics (formerly Invitae), Labcorp
Classification: Likely benign. Last evaluated: 2024-02-18. Review status: criteria provided, single submitter. Criteria: Invitae Variant Classification Sherloc (09022015). Collection method: clinical testing. Allele origin: germline.

Laboratory for Molecular Medicine, Mass General Brigham Personalized Medicine
Classification: Likely benign. Last evaluated: 2017-06-20. Review status: criteria provided, single submitter. Criteria: LMM Criteria. Collection method: clinical testing. Allele origin: germline. Observed: 1 variant allele.
Comment: p.Ala2113Ala in exon 46 of MYO7A: This variant is not expected to have clinical significance because it does not alter an amino acid residue and is not located within the splice consensus sequence. It is not predicted to impact splicing, a nd the nucleotide position is not conserved with two primates having an adenine (A). It has been identified in (1/33564) of Latino chromosomes by the Genome Agg regation Database (gnomAD; dbSNP rs764862807).

NM_000260.4(MYO7A):c.6339C>A (p.Ala2113=)

Gene: MYO7A (myosin VIIA; plus strand). Cytogenetic location: 11q13.5.
Variant type: single nucleotide variant.
Coding change: c.6339C>A on transcript NM_000260.4 (MANE Select); coding-DNA position 6339, C replaced by A.
Protein change: p.Ala2113=; no amino-acid change (alanine 2113 retained).
Molecular consequence: synonymous variant.
Genome position (GRCh38, 1-based): chr11:77,211,922, C>A. VCF-style: chr11-77211922-C-A. GRCh37 (hg19) VCF-style: chr11-76922967-C-A.
Other names: c.6225C>A, p.Ala2075= (NM_001127180.2); c.6192C>A, p.Ala2064= (NM_001369365.1).
Identifiers: ClinVar variation 517416 (VCV000517416.12), dbSNP rs764862807, ClinGen allele CA224828495.